The following is an entry in ClinVar:

NM_000551.4(VHL):c.613C>G (p.Arg205Gly)

Genes: VHL (von Hippel-Lindau tumor suppressor; plus strand), LOC107303340 (3p25 von Hippel-Lindau tumor suppressor, E3 ubiquitin protein ligase Alu-mediated recombination region; plus strand). Cytogenetic location: 3p25.3.
Variant type: single nucleotide variant.
Coding change: c.613C>G on transcript NM_000551.4 (MANE Select); coding-DNA position 613, C replaced by G.
Protein change: p.Arg205Gly; replaces arginine 205 with glycine.
Molecular consequence: missense variant. On other transcripts: 3 prime UTR variant (1).
Genome position (GRCh38, 1-based): chr3:10,149,936, C>G. VCF-style: chr3-10149936-C-G. GRCh37 (hg19) VCF-style: chr3-10191620-C-G.
Other names: c.*167C>G (NM_001354723.2); c.490C>G, p.Arg164Gly (NM_198156.3); short protein forms R205G, R164G.
Identifiers: ClinVar variation 566958 (VCV000566958.19), dbSNP rs199926195, ClinGen allele CA351756654.
Genomic context (GRCh38, chr3:10,149,936, plus strand): 5'-TACGAAGATCTGGAAGACCACCCAAATGTGCAGAAAGACCTGGAGCGGCTGACACAGGAG[C>G]GCATTGCACATCAACGGATGGGAGATTGAAGATTTCTGTTGAAACTTACACTGTTTCATC-3'
Protein context (NP_000542.1, residues 195-213): QKDLERLTQE[Arg205Gly]IAHQRMGD

ClinVar aggregate classification (germline): Uncertain significance. Review status: criteria provided, multiple submitters, no conflicts (2 of 4 stars). 6 submissions from 6 submitters: Uncertain significance (6). Last evaluated 2026-01-12.

Conditions:
Von Hippel-Lindau syndrome (VHLS). Also called: von Hippel–Lindau syndrome; Von Hippel-Lindau; VHL syndrome. Identifiers: Orphanet 892, MedGen C0019562, MONDO:0008667, OMIM 193300. Disease mechanism: loss of function.
Chuvash polycythemia. Also called: POLYCYTHEMIA, VHL-DEPENDENT. Identifiers: Orphanet 238557, MedGen C1837915, MONDO:0009892, OMIM 263400.
Hereditary cancer-predisposing syndrome. Also called: Neoplastic Syndromes, Hereditary; Tumor predisposition; Hereditary Cancer Syndrome; Hereditary neoplastic syndrome. Identifiers: Orphanet 140162, MedGen C0027672, MeSH D009386, MONDO:0015356.

gnomAD v4.1: 1 of 1,614,098 alleles (0.000062%); highest among the groups gnomAD compares: Non-Finnish European, 0.000085%; no homozygotes.

Submissions (6):

Labcorp Genetics (formerly Invitae), Labcorp
Classification: Uncertain significance for Von Hippel-Lindau syndrome; Chuvash polycythemia. Last evaluated: 2026-01-12. Review status: criteria provided, single submitter. Criteria: Invitae Variant Classification Sherloc (09022015). Collection method: clinical testing. Allele origin: germline.
Comment: This sequence change replaces arginine, which is basic and polar, with glycine, which is neutral and non-polar, at codon 205 of the VHL protein (p.Arg205Gly). This variant is not present in population databases (gnomAD no frequency). This variant has not been reported in the literature in individuals affected with VHL-related conditions. ClinVar contains an entry for this variant (Variation ID: 566958). Invitae Evidence Modeling of protein sequence and biophysical properties (such as structural, functional, and spatial information, amino acid conservation, physicochemical variation, residue mobility, and thermodynamic stability) has been performed for this missense variant. However, the output from this modeling did not meet the statistical confidence thresholds required to predict the impact of this variant on VHL protein function. In summary, the available evidence is currently insufficient to determine the role of this variant in disease. Therefore, it has been classified as a Variant of Uncertain Significance.

Color Diagnostics, LLC DBA Color Health
Classification: Uncertain significance for Von Hippel-Lindau syndrome. Last evaluated: 2025-07-21. Review status: criteria provided, single submitter. Criteria: ACMG Guidelines, 2015. Collection method: clinical testing. Allele origin: germline.
Comment: This missense variant replaces arginine with glycine at codon 205 of the VHL protein. Computational prediction is inconclusive regarding the impact of this variant on protein structure and function. To our knowledge, functional studies have not been reported for this variant. This variant has not been reported in individuals affected with VHL-related disorders in the literature. This variant has not been identified in the general population by the Genome Aggregation Database (gnomAD). The available evidence is insufficient to determine the role of this variant in disease conclusively. Therefore, this variant is classified as a Variant of Uncertain Significance.

Center for Genomic Medicine, Rigshospitalet, Copenhagen University Hospital
Classification: Uncertain significance. Last evaluated: 2025-03-04. Review status: criteria provided, single submitter. Criteria: ACMG Guidelines, 2015. Collection method: clinical testing. Allele origin: germline.

Ambry Genetics
Classification: Uncertain significance for Hereditary cancer-predisposing syndrome. Last evaluated: 2024-05-04. Review status: criteria provided, single submitter. Criteria: Ambry Variant Classification Scheme 2023. Collection method: clinical testing. Allele origin: germline.
Comment: The p.R205G variant (also known as c.613C>G), located in coding exon 3 of the VHL gene, results from a C to G substitution at nucleotide position 613. The arginine at codon 205 is replaced by glycine, an amino acid with dissimilar properties. This amino acid position is poorly conserved in available vertebrate species. In addition, the in silico prediction for this alteration is inconclusive. Since supporting evidence is limited at this time, the clinical significance of this alteration remains unclear.

Baylor Genetics
Classification: Uncertain significance for Chuvash polycythemia. Last evaluated: 2024-01-18. Review status: criteria provided, single submitter. Criteria: ACMG Guidelines, 2015. Collection method: clinical testing. Allele origin: unknown.

All of Us Research Program, National Institutes of Health
Classification: Uncertain significance for Von Hippel-Lindau syndrome. Last evaluated: 2023-12-01. Review status: criteria provided, single submitter. Criteria: ACMG Guidelines, 2015. Collection method: clinical testing. Allele origin: germline. Inheritance: Autosomal dominant inheritance. Observed: 4 variant alleles, 4 heterozygotes.
Comment: This missense variant replaces arginine with glycine at codon 205 of the VHL protein. Computational prediction is inconclusive regarding the impact of this variant on protein structure and function (internally defined REVEL score threshold 0.5 < inconclusive < 0.7, PMID: 27666373). To our knowledge, functional studies have not been reported for this variant. This variant has not been reported in individuals affected with VHL-related disorders in the literature. This variant has not been identified in the general population by the Genome Aggregation Database (gnomAD). The available evidence is insufficient to determine the role of this variant in disease conclusively. Therefore, this variant is classified as a Variant of Uncertain Significance.

This study involves interpretation of variants in research participants for the purpose of population health screening. Participant phenotype was not available at the time of variant classification. Additional details can be found in publication PMID: 35346344, PMCID: PMC8962531